The following is an entry in ClinVar:

ClinVar aggregate classification (germline): Uncertain significance (1 of 4 stars; one submission).

gnomAD v4.1: 26 of 1,614,062 alleles (0.0016%); highest among the groups gnomAD compares: Non-Finnish European, 0.00017%; no homozygotes.

Submission:

Labcorp Genetics (formerly Invitae), Labcorp
Classification: Uncertain significance. Last evaluated: 2024-06-26. Review status: criteria provided, single submitter. Criteria: Invitae Variant Classification Sherloc (09022015). Collection method: clinical testing. Allele origin: germline.
Comment: This sequence change replaces alanine, which is neutral and non-polar, with aspartic acid, which is acidic and polar, at codon 3943 of the ANK3 protein (p.Ala3943Asp). This variant is present in population databases (rs747884842, gnomAD 0.05%). This variant has not been reported in the literature in individuals affected with ANK3-related conditions. An algorithm developed to predict the effect of missense changes on protein structure and function (PolyPhen-2) suggests that this variant is likely to be tolerated. In summary, the available evidence is currently insufficient to determine the role of this variant in disease. Therefore, it has been classified as a Variant of Uncertain Significance.

NM_020987.5(ANK3):c.11828C>A (p.Ala3943Asp)

Gene: ANK3 (ankyrin 3; minus strand). Cytogenetic location: 10q21.2.
Variant type: single nucleotide variant.
Coding change: c.11828C>A on transcript NM_020987.5 (MANE Select); coding-DNA position 11828, C replaced by A.
Protein change: p.Ala3943Asp; replaces alanine 3943 with aspartic acid.
Molecular consequence: missense variant. On other transcripts: intron variant (4).
Genome position (GRCh38, 1-based): chr10:60,069,053, G>T on the plus strand (C>A on the coding strand, the complement: ANK3 is on the minus strand). VCF-style: chr10-60069053-G-T. GRCh37 (hg19) VCF-style: chr10-61828811-G-T.
Other names: c.4388-1044C>A (NM_001204403.2); c.4409-1044C>A (NM_001204404.2); c.4406-1044C>A (NM_001320874.2); c.1808-1044C>A (NM_001149.4); short protein forms A3943D.
Identifiers: ClinVar variation 3625363 (VCV003625363.2).
Genomic context (GRCh38, chr10:60,069,053, plus strand): 5'-GTGGTGGTAGTGACACAGGTGGATCTTACCTTTACTGGCAACTTGGATGGAAGCTGTTTG[G>T]CCTTGCCTTTCTCTGGCTGCCCTTGCTTTTGTGTGGCACATGCTTTTCTAACTGCAATTA-3'
Protein context (NP_066267.2, residues 3933-3953): QKQGQPEKGK[Ala3943Asp]KQLPSKLPVK